The following is an entry in ClinVar:

NM_001042492.3(NF1):c.6923A>T (p.Asp2308Val)

Gene: NF1 (neurofibromin 1; plus strand). Cytogenetic location: 17q11.2.
Variant type: single nucleotide variant.
Coding change: c.6923A>T on transcript NM_001042492.3 (MANE Select); coding-DNA position 6923, A replaced by T.
Protein change: p.Asp2308Val; replaces aspartic acid 2308 with valine.
Molecular consequence: missense variant.
Genome position (GRCh38, 1-based): chr17:31,340,506, A>T. VCF-style: chr17-31340506-A-T. GRCh37 (hg19) VCF-style: chr17-29667524-A-T.
Other names: c.6860A>T, p.Asp2287Val (NM_000267.4); short protein forms D2287V, D2308V.
Identifiers: ClinVar variation 4024627 (VCV004024627.1).

ClinVar aggregate classification (germline): Uncertain significance (1 of 4 stars; one submission).

Conditions:
Cardiovascular phenotype. Identifiers: MedGen CN230736.
Hereditary cancer-predisposing syndrome. Also called: Tumor predisposition; Hereditary neoplastic syndrome; Neoplastic Syndromes, Hereditary; Hereditary Cancer Syndrome. Identifiers: Orphanet 140162, MedGen C0027672, MeSH D009386, MONDO:0015356.

Submission:

Ambry Genetics
Classification: Uncertain significance for Cardiovascular phenotype; Hereditary cancer-predisposing syndrome. Last evaluated: 2025-04-24. Review status: criteria provided, single submitter. Criteria: Ambry Variant Classification Scheme 2023. Collection method: clinical testing. Allele origin: germline.
Comment: The p.D2287V variant (also known as c.6860A>T), located in coding exon 46 of the NF1 gene, results from an A to T substitution at nucleotide position 6860. The aspartic acid at codon 2287 is replaced by valine, an amino acid with highly dissimilar properties. This amino acid position is conserved. In addition, this alteration is predicted to be tolerated by in silico analysis. Based on the available evidence, the clinical significance of this variant remains unclear.